The following is an entry in ClinVar:

NM_000135.4(FANCA):c.596+4G>A

Gene: FANCA (FA complementation group A; minus strand). Cytogenetic location: 16q24.3.
Variant type: single nucleotide variant.
Coding change: c.596+4G>A on transcript NM_000135.4 (MANE Select); 4 bases into the intron after coding-DNA position 596, G replaced by A.
Molecular consequence: intron variant.
Genome position (GRCh38, 1-based): chr16:89,808,290, C>T on the plus strand (G>A on the coding strand, the complement: FANCA is on the minus strand). VCF-style: chr16-89808290-C-T. GRCh37 (hg19) VCF-style: chr16-89874698-C-T.
Other names: c.596+4G>A (NM_001286167.3, NM_001018112.3); c.500+4G>A (NM_001351830.2).
Identifiers: ClinVar variation 967122 (VCV000967122.12), dbSNP rs780355864, ClinGen allele CA8252920.

ClinVar aggregate classification (germline): Uncertain significance. Review status: criteria provided, multiple submitters, no conflicts (2 of 4 stars). 3 submissions from 3 submitters: Uncertain significance (2). 1 of the submissions does not count toward it. Last evaluated 2025-12-09.

Conditions:
Fanconi anemia (FA). Also called: Fanconi's anemia. Identifiers: Orphanet 84, MedGen C0015625, MeSH D005199, MONDO:0019391.
Fanconi anemia complementation group A (FANCA). Also called: Fanconi anemia, group A; FANCA-Related Fanconi Anemia. Identifiers: Orphanet 84, MedGen C3469521, MONDO:0009215, OMIM 227650.

Allele frequency attached by ClinVar (database versions not stated): ExAC 0.00001; gnomAD exomes 0.00001; gnomAD 0.00002; TOPMed 0.00002.
gnomAD v4.1: 7 of 1,613,682 alleles (0.00043%); highest among the groups gnomAD compares: Admixed American, 0.0067%; no homozygotes.

Submissions (3):

Labcorp Genetics (formerly Invitae), Labcorp
Classification: Uncertain significance for Fanconi anemia. Last evaluated: 2025-12-09. Review status: criteria provided, single submitter. Criteria: Invitae Variant Classification Sherloc (09022015). Collection method: clinical testing. Allele origin: germline.
Comment: This sequence change falls in intron 6 of the FANCA gene. It does not directly change the encoded amino acid sequence of the FANCA protein. It affects a nucleotide within the consensus splice site. This variant is present in population databases (rs780355864, gnomAD 0.0009%). This variant has not been reported in the literature in individuals affected with FANCA-related conditions. ClinVar contains an entry for this variant (Variation ID: 967122). Variants that disrupt the consensus splice site are a relatively common cause of aberrant splicing (PMID: 17576681, 9536098). Algorithms developed to predict the effect of sequence changes on RNA splicing suggest that this variant is not likely to affect RNA splicing. In summary, the available evidence is currently insufficient to determine the role of this variant in disease. Therefore, it has been classified as a Variant of Uncertain Significance.

Fulgent Genetics
Classification: Uncertain significance for Fanconi anemia complementation group A. Last evaluated: 2024-02-16. Review status: criteria provided, single submitter. Criteria: ACMG Guidelines, 2015. Collection method: clinical testing. Allele origin: germline.

Natera, Inc.
Classification: Uncertain significance for Fanconi anemia. Last evaluated: 2020-07-09. Review status: no assertion criteria provided. Collection method: clinical testing. Allele origin: germline. Not counted in ClinVar's aggregate classification.

Literature cited by the submitters: PubMed 17576681 (cited by Labcorp Genetics (formerly Invitae), Labcorp); PubMed 9536098 (cited by Labcorp Genetics (formerly Invitae), Labcorp).